The following is an entry in ClinVar:

NM_001378120.1(MBD5):c.2120C>T (p.Ser707Phe)

Gene: MBD5 (methyl-CpG binding domain protein 5; plus strand). Cytogenetic location: 2q23.1.
Variant type: single nucleotide variant.
Coding change: c.2120C>T on transcript NM_001378120.1 (MANE Select); coding-DNA position 2120, C replaced by T.
Protein change: p.Ser707Phe; replaces serine 707 with phenylalanine.
Molecular consequence: missense variant.
Genome position (GRCh38, 1-based): chr2:148,470,063, C>T. VCF-style: chr2-148470063-C-T. GRCh37 (hg19) VCF-style: chr2-149227632-C-T.
Other names: c.2120C>T, p.Ser707Phe (NM_018328.5); short protein forms S707F.
Identifiers: ClinVar variation 1509519 (VCV001509519.8), dbSNP rs2105639837, ClinGen allele CA348721160.

ClinVar aggregate classification (germline): Uncertain significance (1 of 4 stars; one submission).

Conditions:
Intellectual developmental disorder, autosomal dominant 1. Also called: Intellectual disability, autosomal dominant 1; MBD5 Haploinsufficiency. Identifiers: Orphanet 228402, MedGen C1969562, MONDO:0007974, OMIM 156200.

Submission:

Labcorp Genetics (formerly Invitae), Labcorp
Classification: Uncertain significance for Intellectual developmental disorder, autosomal dominant 1. Last evaluated: 2022-11-22. Review status: criteria provided, single submitter. Criteria: Invitae Variant Classification Sherloc (09022015). Collection method: clinical testing. Allele origin: germline.
Comment: In summary, the available evidence is currently insufficient to determine the role of this variant in disease. Therefore, it has been classified as a Variant of Uncertain Significance. Advanced modeling of protein sequence and biophysical properties (such as structural, functional, and spatial information, amino acid conservation, physicochemical variation, residue mobility, and thermodynamic stability) performed at Invitae indicates that this missense variant is not expected to disrupt MBD5 protein function. This variant has not been reported in the literature in individuals affected with MBD5-related conditions. This variant is not present in population databases (gnomAD no frequency). This sequence change replaces serine, which is neutral and polar, with phenylalanine, which is neutral and non-polar, at codon 707 of the MBD5 protein (p.Ser707Phe).